The following is an entry in ClinVar:

NM_018006.5(TRMU):c.1193G>A (p.Arg398His)

Gene: TRMU (tRNA mitochondrial 2-thiouridylase; plus strand). Cytogenetic location: 22q13.31.
Variant type: single nucleotide variant.
Coding change: c.1193G>A on transcript NM_018006.5 (MANE Select); coding-DNA position 1193, G replaced by A.
Protein change: p.Arg398His; replaces arginine 398 with histidine.
Molecular consequence: missense variant. On other transcripts: synonymous variant (2), non-coding transcript variant (2).
Genome position (GRCh38, 1-based): chr22:46,356,933, G>A. VCF-style: chr22-46356933-G-A. GRCh37 (hg19) VCF-style: chr22-46752830-G-A.
Other names: c.851G>A, p.Arg284His (NM_001282782.2); c.773G>A, p.Arg258His (NM_001282783.2); c.690G>A, p.Ala230= (NM_001282784.2); c.1110G>A, p.Ala370= (NM_001282785.2); short protein forms R398H, R258H, R284H.
Identifiers: ClinVar variation 383668 (VCV000383668.3), dbSNP rs139351059, ClinGen allele CA10292469.

ClinVar aggregate classification (germline): Conflicting classifications of pathogenicity. Review status: criteria provided, conflicting classifications (1 of 4 stars). 2 submissions from 2 submitters: Uncertain significance (1); Likely benign (1). Last evaluated 2025-10-02.

Allele frequency attached by ClinVar (database versions not stated): gnomAD exomes 0.00001 and 0.00002; ExAC 0.00003; ESP Exome Variant Server 0.00008; 1000 Genomes Project 0.00020; 1000 Genomes Project 30x 0.00031; gnomAD 0.00003 and 0.00004; TOPMed 0.00003.
gnomAD v4.1: 29 of 1,613,410 alleles (0.0018%); highest among the groups gnomAD compares: Middle Eastern, 0.017%; no homozygotes.

Submissions (2):

Labcorp Genetics (formerly Invitae), Labcorp
Classification: Uncertain significance. Last evaluated: 2025-10-02. Review status: criteria provided, single submitter. Criteria: Invitae Variant Classification Sherloc (09022015). Collection method: clinical testing. Allele origin: germline.
Comment: This sequence change replaces arginine, which is basic and polar, with histidine, which is basic and polar, at codon 398 of the TRMU protein (p.Arg398His). The frequency data for this variant in the population databases is considered unreliable, as metrics indicate poor data quality at this position in the gnomAD database. This variant has not been reported in the literature in individuals affected with TRMU-related conditions. ClinVar contains an entry for this variant (Variation ID: 383668). Invitae Evidence Modeling of protein sequence and biophysical properties (such as structural, functional, and spatial information, amino acid conservation, physicochemical variation, residue mobility, and thermodynamic stability) indicates that this missense variant is not expected to disrupt TRMU protein function with a negative predictive value of 95%. In summary, the available evidence is currently insufficient to determine the role of this variant in disease. Therefore, it has been classified as a Variant of Uncertain Significance.

GeneDx
Classification: Likely benign. Last evaluated: 2016-03-10. Review status: criteria provided, single submitter. Criteria: GeneDx Variant Classification (06012015). Collection method: clinical testing. Allele origin: germline. Affected: yes.
Comment: This variant is considered likely benign or benign based on one or more of the following criteria: it is a conservative change, it occurs at a poorly conserved position in the protein, it is predicted to be benign by multiple in silico algorithms, and/or has population frequency not consistent with disease.